The following is an entry in ClinVar:

ClinVar aggregate classification (germline): Benign/Likely benign. Review status: criteria provided, multiple submitters, no conflicts (2 of 4 stars). 4 submissions from 4 submitters: Benign (1); Likely benign (3). Last evaluated 2025-12-07.

Conditions:
Von Hippel-Lindau syndrome (VHLS). Also called: VHL syndrome; Von Hippel-Lindau; von Hippel–Lindau syndrome. Identifiers: Orphanet 892, MedGen C0019562, MONDO:0008667, OMIM 193300. Disease mechanism: loss of function.
Hereditary cancer-predisposing syndrome. Also called: Tumor predisposition; Hereditary Cancer Syndrome; Neoplastic Syndromes, Hereditary; Hereditary neoplastic syndrome. Identifiers: Orphanet 140162, MedGen C0027672, MeSH D009386, MONDO:0015356.
Chuvash polycythemia. Also called: POLYCYTHEMIA, VHL-DEPENDENT. Identifiers: Orphanet 238557, MedGen C1837915, MONDO:0009892, OMIM 263400.

Allele frequency attached by ClinVar (database versions not stated): gnomAD exomes below 0.00001; gnomAD 0.00001; TOPMed 0.00001.
gnomAD v4.1: 5 of 1,602,980 alleles (0.00031%); highest among the groups gnomAD compares: Admixed American, 0.0033%; no homozygotes.

Submissions (4):

Labcorp Genetics (formerly Invitae), Labcorp
Classification: Likely benign for Von Hippel-Lindau syndrome; Chuvash polycythemia. Last evaluated: 2025-12-07. Review status: criteria provided, single submitter. Criteria: Invitae Variant Classification Sherloc (09022015). Collection method: clinical testing. Allele origin: germline.

Myriad Genetics, Inc.
Classification: Benign for Von Hippel-Lindau syndrome. Last evaluated: 2025-06-10. Review status: criteria provided, single submitter. Criteria: Myriad Autosomal Dominant, Autosomal Recessive and X-Linked Classification Criteria (2023). Collection method: clinical testing. Allele origin: unknown.
Comment: This variant is considered benign. This variant is a silent/synonymous amino acid change and it is not expected to impact splicing.

All of Us Research Program, National Institutes of Health
Classification: Likely benign for Von Hippel-Lindau syndrome. Last evaluated: 2024-07-20. Review status: criteria provided, single submitter. Criteria: ACMG Guidelines, 2015. Collection method: clinical testing. Allele origin: germline. Inheritance: Autosomal dominant inheritance. Observed: 1 variant allele, 1 heterozygote.
Comment: This study involves interpretation of variants in research participants for the purpose of population health screening. Participant phenotype was not available at the time of variant classification. Additional details can be found in publication PMID: 35346344, PMCID: PMC8962531

Ambry Genetics
Classification: Likely benign for Hereditary cancer-predisposing syndrome. Last evaluated: 2021-12-08. Review status: criteria provided, single submitter. Criteria: Ambry Variant Classification Scheme 2023. Collection method: clinical testing. Allele origin: germline.

NM_000551.4(VHL):c.261A>G (p.Val87=)

Gene: VHL (von Hippel-Lindau tumor suppressor; plus strand). Cytogenetic location: 3p25.3.
Variant type: single nucleotide variant.
Coding change: c.261A>G on transcript NM_000551.4 (MANE Select); coding-DNA position 261, A replaced by G.
Protein change: p.Val87=; no amino-acid change (valine 87 retained).
Molecular consequence: synonymous variant.
Genome position (GRCh38, 1-based): chr3:10,142,108, A>G. VCF-style: chr3-10142108-A-G. GRCh37 (hg19) VCF-style: chr3-10183792-A-G.
Other names: c.261A>G, p.Val87= (NM_001354723.2, NM_198156.3).
Identifiers: ClinVar variation 752134 (VCV000752134.15), dbSNP rs1386184754, ClinGen allele CA432420486.